The following is an entry in ClinVar:

NM_001256545.2(MEGF10):c.745G>A (p.Val249Ile)

Gene: MEGF10 (multiple EGF like domains 10; plus strand). Cytogenetic location: 5q23.2.
Variant type: single nucleotide variant.
Coding change: c.745G>A on transcript NM_001256545.2 (MANE Select); coding-DNA position 745, G replaced by A.
Protein change: p.Val249Ile; replaces valine 249 with isoleucine.
Molecular consequence: missense variant.
Genome position (GRCh38, 1-based): chr5:127,398,761, G>A. VCF-style: chr5-127398761-G-A. GRCh37 (hg19) VCF-style: chr5-126734453-G-A.
Other names: c.745G>A, p.Val249Ile (NM_001308119.2, NM_001308121.2, NM_032446.3); short protein forms V249I.
Identifiers: ClinVar variation 1389259 (VCV001389259.3), dbSNP rs370717384, ClinGen allele CA3391390.

ClinVar aggregate classification (germline): Uncertain significance (1 of 4 stars; one submission).

Conditions:
MEGF10-related myopathy (CMYO10A). Also called: Congenital myopathy 10A, severe variant. Identifiers: Orphanet 439212, MedGen C3280679, MONDO:0013731, OMIM 614399.

Allele frequency attached by ClinVar (database versions not stated): ExAC 0.00002; gnomAD exomes 0.00002; TOPMed 0.00003; ESP Exome Variant Server 0.00008.
gnomAD v4.1: 18 of 1,613,784 alleles (0.0011%); highest among the groups gnomAD compares: Admixed American, 0.0067%; no homozygotes.

Submission:

Labcorp Genetics (formerly Invitae), Labcorp
Classification: Uncertain significance for MEGF10-related myopathy. Last evaluated: 2021-11-27. Review status: criteria provided, single submitter. Criteria: Invitae Variant Classification Sherloc (09022015). Collection method: clinical testing. Allele origin: germline.
Comment: This sequence change replaces valine, which is neutral and non-polar, with isoleucine, which is neutral and non-polar, at codon 249 of the MEGF10 protein (p.Val249Ile). This variant is present in population databases (rs370717384, gnomAD 0.009%). This variant has not been reported in the literature in individuals affected with MEGF10-related conditions. Algorithms developed to predict the effect of missense changes on protein structure and function are either unavailable or do not agree on the potential impact of this missense change (SIFT: "Deleterious"; PolyPhen-2: "Benign"; Align-GVGD: "Class C25"). In summary, the available evidence is currently insufficient to determine the role of this variant in disease. Therefore, it has been classified as a Variant of Uncertain Significance.